The following is an entry in ClinVar:

NM_144670.6(A2ML1):c.1703C>G (p.Pro568Arg)

Gene: A2ML1 (alpha-2-macroglobulin like 1; plus strand). Cytogenetic location: 12p13.31.
Variant type: single nucleotide variant.
Coding change: c.1703C>G on transcript NM_144670.6 (MANE Select); coding-DNA position 1703, C replaced by G.
Protein change: p.Pro568Arg; replaces proline 568 with arginine.
Molecular consequence: missense variant.
Genome position (GRCh38, 1-based): chr12:8,847,568, C>G. VCF-style: chr12-8847568-C-G. GRCh37 (hg19) VCF-style: chr12-9000164-C-G.
Other names: c.230C>G, p.Pro77Arg (NM_001282424.3); short protein forms P77R, P568R.
Identifiers: ClinVar variation 838840 (VCV000838840.12), dbSNP rs377555263, ClinGen allele CA6435790.

ClinVar aggregate classification (germline): Uncertain significance. Review status: criteria provided, multiple submitters, no conflicts (2 of 4 stars). 2 submissions from 2 submitters: Uncertain significance (2). Last evaluated 2025-10-27.

Allele frequency attached by ClinVar (database versions not stated): gnomAD 0.00004.
gnomAD v4.1: 71 of 1,611,940 alleles (0.0044%); highest among the groups gnomAD compares: Non-Finnish European, 0.0055%; no homozygotes.

Submissions (2):

Labcorp Genetics (formerly Invitae), Labcorp
Classification: Uncertain significance. Last evaluated: 2025-10-27. Review status: criteria provided, single submitter. Criteria: Invitae Variant Classification Sherloc (09022015). Collection method: clinical testing. Allele origin: germline.
Comment: This sequence change replaces proline, which is neutral and non-polar, with arginine, which is basic and polar, at codon 568 of the A2ML1 protein (p.Pro568Arg). This variant is present in population databases (rs377555263, gnomAD 0.007%). This variant has not been reported in the literature in individuals affected with A2ML1-related conditions. ClinVar contains an entry for this variant (Variation ID: 838840). An algorithm developed to predict the effect of missense changes on protein structure and function (PolyPhen-2) suggests that this variant is likely to be disruptive. In summary, the available evidence is currently insufficient to determine the role of this variant in disease. Therefore, it has been classified as a Variant of Uncertain Significance.

Ambry Genetics
Classification: Uncertain significance. Last evaluated: 2024-11-17. Review status: criteria provided, single submitter. Criteria: Ambry Variant Classification Scheme 2023. Collection method: clinical testing. Allele origin: germline.
Comment: The p.P568R variant (also known as c.1703C>G), located in coding exon 15 of the A2ML1 gene, results from a C to G substitution at nucleotide position 1703. The proline at codon 568 is replaced by arginine, an amino acid with dissimilar properties. This amino acid position is conserved. In addition, this alteration is predicted to be tolerated by in silico analysis. Since supporting evidence is limited at this time, the clinical significance of this alteration remains unclear.